The following is an entry in ClinVar:

NM_033004.4(NLRP1):c.253del (p.Gln85fs)

Gene: NLRP1 (NLR family pyrin domain containing 1; minus strand). Cytogenetic location: 17p13.2.
Variant type: Deletion.
Coding change: c.253del on transcript NM_033004.4 (MANE Select); coding-DNA position 253, one base deleted (C; older notation c.253delC).
Protein change: p.Gln85fs; shifts the reading frame from glutamine 85.
Molecular consequence: frameshift variant.
Genome position (GRCh38, 1-based): chr17:5,583,705, G deleted on the plus strand (C on the coding strand, the reverse complement: NLRP1 is on the minus strand); the first of 3 consecutive G bases (chr17:5,583,705-5,583,707); deleting any one gives the same sequence. VCF-style (leftmost placement, unchanged base first): chr17-5583704-TG-T. GRCh37 (hg19) VCF-style: chr17-5487024-TG-T.
Other names: c.253del, p.Gln85fs (NM_001033053.3, NM_014922.5, NM_033006.4 and 1 more transcripts); short protein forms Q85fs.
Identifiers: ClinVar variation 4810390 (VCV004810390.1).
Genomic context (GRCh38, chr17:5,583,704, plus strand): 5'-CCAGGGGATGTCCCGCGGGCAGTGGGGTCCTCTGTCCACTCACCTGCCCCTTCCTGGGCT[TG>T]GGCGCACAGTGACCTCAGCCCCATCTGCTCCCAGGTATGGAGGGCTAGGTCCCAGGCCCG-3'

ClinVar aggregate classification (germline): Uncertain significance (1 of 4 stars; one submission).

Submission:

Labcorp Genetics (formerly Invitae), Labcorp
Classification: Uncertain significance. Last evaluated: 2025-03-11. Review status: criteria provided, single submitter. Criteria: Invitae Variant Classification Sherloc (09022015). Collection method: clinical testing. Allele origin: germline.
Comment: This sequence change creates a premature translational stop signal (p.Gln85Lysfs*33) in the NLRP1 gene. It is expected to result in an absent or disrupted protein product. However, the current clinical and genetic evidence is not sufficient to establish whether loss-of-function variants in NLRP1 cause disease. The frequency data for this variant in the population databases is considered unreliable, as metrics indicate poor data quality at this position in the gnomAD database. This variant has not been reported in the literature in individuals affected with NLRP1-related conditions. In summary, the available evidence is currently insufficient to determine the role of this variant in disease. Therefore, it has been classified as a Variant of Uncertain Significance.